The following is an entry in ClinVar:

ClinVar aggregate classification (germline): Likely pathogenic (1 of 4 stars; one submission).

Conditions:
Seizures, benign familial infantile, 3 (BFIS3). Also called: Familial neonatal seizures; CONVULSIONS, BENIGN FAMILIAL INFANTILE, 3. Identifiers: Orphanet 140927, Orphanet 306, MedGen C1843140, MONDO:0011904, OMIM 607745.
Developmental and epileptic encephalopathy, 11 (DEE11). Also called: Early infantile epileptic encephalopathy 11. Identifiers: Orphanet 1934, MedGen C3150987, MONDO:0013388, OMIM 613721.

Submission:

Labcorp Genetics (formerly Invitae), Labcorp
Classification: Likely pathogenic for Seizures, benign familial infantile, 3; Developmental and epileptic encephalopathy, 11. Last evaluated: 2021-05-07. Review status: criteria provided, single submitter. Criteria: Invitae Variant Classification Sherloc (09022015). Collection method: clinical testing. Allele origin: germline.
Comment: This variant, c.2680_2686delinsCTTTTTT, is a complex sequence change that results in the deletion of 3 and insertion of 3 amino acid(s) in the SCN2A protein (p.Ile894_Ala896delinsLeuPheSer). Experimental studies and prediction algorithms are not available or were not evaluated, and the functional significance of this variant is currently unknown. In summary, the currently available evidence indicates that the variant is pathogenic, but additional data are needed to prove that conclusively. Therefore, this variant has been classified as Likely Pathogenic. This variant is not present in population databases (ExAC no frequency). This variant has been observed in individual(s) with clinical features of developmental and epileptic encephalopathy (Invitae). In at least one individual the variant was observed to be de novo.

NM_001040142.2(SCN2A):c.2680_2686delinsCTTTTTT (p.Ile894_Ala896delinsLeuPheSer)

Gene: SCN2A (sodium voltage-gated channel alpha subunit 2; plus strand). Cytogenetic location: 2q24.3.
Variant type: Indel.
Coding change: c.2680_2686delinsCTTTTTT on transcript NM_001040142.2 (MANE Select); coding-DNA positions 2680 to 2686, ATTTTTG replaced by CTTTTTT.
Protein change: p.Ile894_Ala896delinsLeuPheSer.
Molecular consequence: missense variant.
Genome position (GRCh38, 1-based): chr2:165,344,672-165,344,678, ATTTTTG replaced by CTTTTTT. VCF-style: chr2-165344672-ATTTTTG-CTTTTTT. GRCh37 (hg19) VCF-style: chr2-166201182-ATTTTTG-CTTTTTT.
Other names: c.2680_2686delinsCTTTTTT, p.Ile894_Ala896delinsLeuPheSer (NM_001040143.2, NM_001371246.1, NM_001371247.1 and 1 more transcripts).
Identifiers: ClinVar variation 1521162 (VCV001521162.8), dbSNP rs2105318837, ClinGen allele CA2573133612.